The following is an entry in ClinVar:

ClinVar aggregate classification (germline): Uncertain significance. Review status: criteria provided, multiple submitters, no conflicts (2 of 4 stars). 2 submissions from 2 submitters: Uncertain significance (2). Last evaluated 2025-03-07.

Conditions:
Bardet-Biedl syndrome (BBS). Identifiers: Orphanet 110, MedGen C0752166, MONDO:0015229.

Allele frequency attached by ClinVar (database versions not stated): gnomAD exomes below 0.00001; TOPMed below 0.00001; ExAC 0.00001; gnomAD 0.00001.
gnomAD v4.1: 6 of 1,613,716 alleles (0.00037%); highest among the groups gnomAD compares: Non-Finnish European, 0.00051%; no homozygotes.

Submissions (2):

Labcorp Genetics (formerly Invitae), Labcorp
Classification: Uncertain significance for Bardet-Biedl syndrome. Last evaluated: 2025-03-07. Review status: criteria provided, single submitter. Criteria: Invitae Variant Classification Sherloc (09022015). Collection method: clinical testing. Allele origin: germline.
Comment: This sequence change replaces tyrosine, which is neutral and polar, with cysteine, which is neutral and slightly polar, at codon 96 of the BBS5 protein (p.Tyr96Cys). This variant is present in population databases (rs763784832, gnomAD 0.007%). This variant has not been reported in the literature in individuals affected with BBS5-related conditions. ClinVar contains an entry for this variant (Variation ID: 1347636). Invitae Evidence Modeling of protein sequence and biophysical properties (such as structural, functional, and spatial information, amino acid conservation, physicochemical variation, residue mobility, and thermodynamic stability) indicates that this missense variant is not expected to disrupt BBS5 protein function with a negative predictive value of 80%. In summary, the available evidence is currently insufficient to determine the role of this variant in disease. Therefore, it has been classified as a Variant of Uncertain Significance.

Blueprint Genetics
Classification: Uncertain significance. Last evaluated: 2019-10-10. Review status: criteria provided, single submitter. Criteria: ACMG Guidelines, 2015. Collection method: clinical testing. Allele origin: germline.

NM_152384.3(BBS5):c.287A>G (p.Tyr96Cys)

Gene: BBS5 (Bardet-Biedl syndrome 5; plus strand). Cytogenetic location: 2q31.1.
Variant type: single nucleotide variant.
Coding change: c.287A>G on transcript NM_152384.3 (MANE Select); coding-DNA position 287, A replaced by G.
Protein change: p.Tyr96Cys; replaces tyrosine 96 with cysteine.
Molecular consequence: missense variant.
Genome position (GRCh38, 1-based): chr2:169,488,015, A>G. VCF-style: chr2-169488015-A-G. GRCh37 (hg19) VCF-style: chr2-170344525-A-G.
Other names: short protein forms Y96C.
Identifiers: ClinVar variation 1347636 (VCV001347636.7), dbSNP rs763784832, ClinGen allele CA1956180.
Genomic context (GRCh38, chr2:169,488,015, plus strand): 5'-ATCTGAACTTTTAAATAAATTTGTCCTTACAGAAATTACGAGGCCAAACTGAAGCTCTCT[A>G]TATACTAACAAAATGTAACAGTACTCGTTTTGAATTTATATTTACAAATTTGGTTCCTGG-3'
Protein context (NP_689597.1, residues 86-106): SKLRGQTEAL[Tyr96Cys]ILTKCNSTRF